The following is an entry in ClinVar:

NM_000059.4(BRCA2):c.7902G>A (p.Met2634Ile)

Gene: BRCA2 (BRCA2 DNA repair associated; plus strand). Cytogenetic location: 13q13.1.
Variant type: single nucleotide variant.
Coding change: c.7902G>A on transcript NM_000059.4 (MANE Select); coding-DNA position 7902, G replaced by A.
Protein change: p.Met2634Ile; replaces methionine 2634 with isoleucine.
Molecular consequence: missense variant.
Genome position (GRCh38, 1-based): chr13:32,362,619, G>A. VCF-style: chr13-32362619-G-A. GRCh37 (hg19) VCF-style: chr13-32936756-G-A.
Other names: short protein forms M2634I.
Identifiers: ClinVar variation 873412 (VCV000873412.2), dbSNP rs1483170360, ClinGen allele CA387747148.

ClinVar aggregate classification (germline): Benign (0 of 4 stars; one submission).

Allele frequency attached by ClinVar (database versions not stated): gnomAD exomes below 0.00001.
gnomAD v4.1: 1 of 1,614,202 alleles (0.000062%); highest among the groups gnomAD compares: South Asian, 0.0011%; no homozygotes.

Submission:

King Laboratory, University of Washington
Classification: Benign. Last evaluated: 2019-09-01. Review status: no assertion criteria provided. Collection method: research. Allele origin: germline. Affected: yes.
Comment: Transcript analysis by cBROCA

Literature cited by the submitters: PubMed 31843900.